The following is an entry in ClinVar:

ClinVar aggregate classification (germline): Uncertain significance (1 of 4 stars; one submission).

Conditions:
Combined immunodeficiency due to ORAI1 deficiency. Also called: IMMUNODEFICIENCY 9. Identifiers: Orphanet 169090, Orphanet 317428, MedGen C2748568, MONDO:0013007, OMIM 612782.

Allele frequency attached by ClinVar (database versions not stated): ExAC 0.00001; TOPMed 0.00001.

Submission:

Baylor Genetics
Classification: Uncertain significance for Combined immunodeficiency due to ORAI1 deficiency. Last evaluated: 2018-04-22. Review status: criteria provided, single submitter. Criteria: ACMG Guidelines, 2015. Collection method: clinical testing. Allele origin: maternal. Affected: yes.
Comment: This variant was determined to be of uncertain significance according to ACMG Guidelines, 2015 [PMID:25741868].

NM_032790.4(ORAI1):c.444C>G (p.Ile148Met)

Gene: ORAI1 (ORAI calcium release-activated calcium modulator 1; plus strand). Cytogenetic location: 12q24.31.
Variant type: single nucleotide variant.
Coding change: c.444C>G on transcript NM_032790.4 (MANE Select); coding-DNA position 444, C replaced by G.
Protein change: p.Ile148Met; replaces isoleucine 148 with methionine.
Genome position (GRCh38, 1-based): chr12:121,641,181, C>G. VCF-style: chr12-121641181-C-G. GRCh37 (hg19) VCF-style: chr12-122079087-C-G.
Other names: short protein forms I148M.
Identifiers: ClinVar variation 1034161 (VCV001034161.1), dbSNP rs782566002, ClinGen allele CA6837490.